The following is an entry in ClinVar:

ClinVar aggregate classification (germline): Likely benign. Review status: criteria provided, multiple submitters, no conflicts (2 of 4 stars). 2 submissions from 2 submitters: Likely benign (2). Last evaluated 2024-11-12.

Conditions:
Renal cell carcinoma. Identifiers: Orphanet 217071, MedGen C0007134, MeSH D002292, MONDO:0005086, HP:0005584.
Papillary renal cell carcinoma type 1 (RCCP1). Also called: RENAL CELL CARCINOMA, PAPILLARY, 1, SOMATIC; Renal adenocarcinoma; Renal cell carcinoma 1; Renal cell carcinoma, somatic. Identifiers: Orphanet 47044, MedGen C1336839, OMIM 605074, HP:0011797.

Submissions (2):

Myriad Genetics, Inc.
Classification: Likely benign for Papillary renal cell carcinoma type 1. Last evaluated: 2024-11-12. Review status: criteria provided, single submitter. Criteria: Myriad Autosomal Dominant, Autosomal Recessive and X-Linked Classification Criteria (2023). Collection method: clinical testing. Allele origin: unknown.
Comment: This variant is considered likely benign. This variant is intronic and is not expected to impact mRNA splicing.

Labcorp Genetics (formerly Invitae), Labcorp
Classification: Likely benign for Renal cell carcinoma. Last evaluated: 2023-07-16. Review status: criteria provided, single submitter. Criteria: Invitae Variant Classification Sherloc (09022015). Collection method: clinical testing. Allele origin: germline.

NM_000245.4(MET):c.2888-12_2888-9del

Gene: MET (MET proto-oncogene, receptor tyrosine kinase; plus strand). Cytogenetic location: 7q31.2.
Variant type: Microsatellite.
Coding change: c.2888-12_2888-9del on transcript NM_000245.4 (MANE Select); 12 bases into the intron before coding-DNA position 2888 through 9 bases into the intron before coding-DNA position 2888, 4 bases deleted (CTCT; older notation c.2888-12_2888-9delCTCT).
Molecular consequence: intron variant.
Genome position (GRCh38, 1-based): chr7:116,771,837-116,771,840, CTCT deleted; deleting any 4 consecutive bases within chr7:116,771,834-116,771,840 gives the same sequence; the c. name uses the placement nearest the transcript's 3' end. VCF-style (leftmost placement, unchanged base first): chr7-116771833-TTCTC-T. GRCh37 (hg19) VCF-style: chr7-116411887-TTCTC-T.
Other names: c.2942-12_2942-9del (NM_001127500.3); c.1598-12_1598-9del (NM_001324402.2).
Identifiers: ClinVar variation 2154302 (VCV002154302.5), dbSNP rs1794844741, ClinGen allele CA1737037555.
Genomic context (GRCh38, chr7:116,771,833, plus strand): 5'-CTGGGCACTGGGTCAAAGTCTCCTGGGGCCCATGATAGCCGTCTTTAACAAGCTCTTTCT[TTCTC>T]TCTGTTTTAAGATCTGGGCAGTGAATTAGTTCGCTACGATGCAAGAGTACACACTCCTCA-3'